The following is an entry in ClinVar:

ClinVar aggregate classification (germline): Uncertain significance (1 of 4 stars; one submission).

Conditions:
Malignant hyperthermia, susceptibility to, 5 (MHS5). Also called: CACNA1S-Related Malignant Hyperthermia Susceptibility. Identifiers: Orphanet 423, MedGen C1866077, MONDO:0011163, OMIM 601887.

Submission:

Color Diagnostics, LLC DBA Color Health
Classification: Uncertain significance for Malignant hyperthermia, susceptibility to, 5. Last evaluated: 2025-06-23. Review status: criteria provided, single submitter. Criteria: ACMG Guidelines, 2015. Collection method: clinical testing. Allele origin: germline.
Comment: This missense variant replaces phenylalanine with valine at codon 608 of the CACNA1S protein. Computational prediction suggests that this variant may have deleterious impact on protein structure and function. To our knowledge, functional studies have not been reported for this variant. This variant has not been reported in individuals affected with CACNA1S-related disorders in the literature. This variant has not been identified in the general population by the Genome Aggregation Database (gnomAD). The available evidence is insufficient to determine the role of this variant in disease conclusively. Therefore, this variant is classified as a Variant of Uncertain Significance.

NM_000069.3(CACNA1S):c.1822T>G (p.Phe608Val)

Gene: CACNA1S (calcium voltage-gated channel subunit alpha1 S; minus strand). Cytogenetic location: 1q32.1.
Variant type: single nucleotide variant.
Coding change: c.1822T>G on transcript NM_000069.3 (MANE Select); coding-DNA position 1822, T replaced by G.
Protein change: p.Phe608Val; replaces phenylalanine 608 with valine.
Molecular consequence: missense variant.
Genome position (GRCh38, 1-based): chr1:201,076,925, A>C on the plus strand (T>G on the coding strand, the complement: CACNA1S is on the minus strand). VCF-style: chr1-201076925-A-C. GRCh37 (hg19) VCF-style: chr1-201046053-A-C.
Other names: short protein forms F608V.
Identifiers: ClinVar variation 4757161 (VCV004757161.1).
Genomic context (GRCh38, chr1:201,076,925, plus strand): 5'-AGAAGCAGGATTCAGCAACCGTTCAGAAGGAGGGACACGCAGAGGGAGAGCCTACCTGGA[A>C]GACGCTGATGAGGGCTTGGGGAAAGTTGTCAAAGTTGCTGCGCCGTACTTCTGTGTCTTC-3'
Protein context (NP_000060.2, residues 598-618): DNFPQALISV[Phe608Val]QVLTGEDWTS